The following is an entry in ClinVar:

ClinVar aggregate classification (germline): Pathogenic/Likely pathogenic. Review status: criteria provided, multiple submitters, no conflicts (2 of 4 stars). 3 submissions from 3 submitters: Pathogenic (1); Likely pathogenic (1). 1 of the submissions does not count toward it. Last evaluated 2021-10-11.

Conditions:
Palmoplantar keratoderma, nonepidermolytic, focal 1 (FNEPPK1). Identifiers: MedGen C4552049, MONDO:0013073, OMIM 613000.
Pachyonychia congenita 1 (PC1). Also called: KRT16-Related Pachyonychia Congenita; KRT6A-Related Pachyonychia Congenita; Jadassohn Lewandowsky syndrome; PACHYONYCHIA CONGENITA, LATE ONSET. Identifiers: Orphanet 2309, MedGen C1706595, MONDO:0008173, OMIM 167200.

Submissions (3):

Fulgent Genetics
Classification: Likely pathogenic for Pachyonychia congenita 1; Palmoplantar keratoderma, nonepidermolytic, focal 1. Last evaluated: 2021-10-11. Review status: criteria provided, single submitter. Criteria: ACMG Guidelines, 2015. Collection method: clinical testing. Allele origin: unknown.

GeneDx
Classification: Pathogenic. Last evaluated: 2016-01-26. Review status: criteria provided, single submitter. Criteria: GeneDx Variant Classification (06012015). Collection method: clinical testing. Allele origin: germline. Affected: yes.
Comment: The L124H pathogenic variant in the KRT16 gene has been published previously in association with pachyonychia congenita (Wilson et al., 2011; Smith et al., 2005). It was not observed in approximately 6,500 individuals of European and African American ancestry in the NHLBI Exome Sequencing Project, indicating it is not a common benign variant in these populations. The L124H variant is a non-conservative amino acid substitution, which is likely to impact secondary protein structure as these residues differ in polarity, charge, size and/or other properties. This substitution occurs within a known mutational hotspot region (helix initiation motif) that is highly conserved across all species and among all members of the keratin family. Many other pathogenic variants in patients with pachyonychia congenita have been reported in nearby residues (M121T/K, Q122P, N125D/S) according to the Human Gene Mutation Database (Stenson et al., 2014). It is well established that keratin gene mutations affecting the residues at the ends of the central rod domains of the keratin proteins (helix initiation and termination motifs) interfere with proper keratin intermediate filament assembly and function, resulting in hyperkeratosis (Chamcheu et al., 2011). Therefore, we consider L124H to be pathogenic.

Epithelial Biology;  Institute of Medical Biology, Singapore
No classification provided. Review status: no classification provided. Collection method: not provided. Allele origin: not provided. Not counted in ClinVar's aggregate classification.

NM_005557.4(KRT16):c.371T>A (p.Leu124His)

Gene: KRT16 (keratin 16; minus strand). Cytogenetic location: 17q21.2.
Variant type: single nucleotide variant.
Coding change: c.371T>A on transcript NM_005557.4 (MANE Select); coding-DNA position 371, T replaced by A.
Protein change: p.Leu124His; replaces leucine 124 with histidine.
Molecular consequence: missense variant.
Genome position (GRCh38, 1-based): chr17:41,612,318, A>T on the plus strand (T>A on the coding strand, the complement: KRT16 is on the minus strand). VCF-style: chr17-41612318-A-T. GRCh37 (hg19) VCF-style: chr17-39768570-A-T.
Other names: short protein forms L124H.
Identifiers: ClinVar variation 66605 (VCV000066605.3), dbSNP rs58293603, ClinGen allele CA217379.